The following is an entry in ClinVar:

ClinVar aggregate classification (germline): Uncertain significance. Review status: criteria provided, multiple submitters, no conflicts (2 of 4 stars). 3 submissions from 3 submitters: Uncertain significance (3). Last evaluated 2025-04-01.

Conditions:
Inborn genetic diseases. Identifiers: MedGen C0950123, MeSH D030342.
HIVEP2-related disorder. Also called: HIVEP2-related condition.

Allele frequency attached by ClinVar (database versions not stated): TOPMed below 0.00001.

Submissions (3):

Ambry Genetics
Classification: Uncertain significance for Inborn genetic diseases. Last evaluated: 2025-04-01. Review status: criteria provided, single submitter. Criteria: Ambry Variant Classification Scheme 2023. Collection method: clinical testing. Allele origin: germline.

PreventionGenetics, part of Exact Sciences
Classification: Uncertain significance for HIVEP2-related condition. Last evaluated: 2025-01-26. Review status: criteria provided, single submitter. Criteria: ACMG Guidelines, 2015. Collection method: clinical testing. Allele origin: germline.
Comment: The HIVEP2 c.56C>G variant is predicted to result in the amino acid substitution p.Thr19Ser. To our knowledge, this variant has not been reported in the literature or in a large population database (gnomAD), indicating this variant is rare. At this time, the clinical significance of this variant is uncertain due to the absence of conclusive functional and genetic evidence.

Labcorp Genetics (formerly Invitae), Labcorp
Classification: Uncertain significance. Last evaluated: 2024-01-08. Review status: criteria provided, single submitter. Criteria: Invitae Variant Classification Sherloc (09022015). Collection method: clinical testing. Allele origin: germline.
Comment: This sequence change replaces threonine, which is neutral and polar, with serine, which is neutral and polar, at codon 19 of the HIVEP2 protein (p.Thr19Ser). This variant is not present in population databases (gnomAD no frequency). This variant has not been reported in the literature in individuals affected with HIVEP2-related conditions. Algorithms developed to predict the effect of missense changes on protein structure and function output the following: SIFT: "Not Available"; PolyPhen-2: "Benign"; Align-GVGD: "Not Available". The serine amino acid residue is found in multiple mammalian species, which suggests that this missense change does not adversely affect protein function. In summary, the available evidence is currently insufficient to determine the role of this variant in disease. Therefore, it has been classified as a Variant of Uncertain Significance.

NM_006734.4(HIVEP2):c.56C>G (p.Thr19Ser)

Gene: HIVEP2 (HIVEP zinc finger 2; minus strand). Cytogenetic location: 6q24.2.
Variant type: single nucleotide variant.
Coding change: c.56C>G on transcript NM_006734.4 (MANE Select); coding-DNA position 56, C replaced by G.
Protein change: p.Thr19Ser; replaces threonine 19 with serine.
Molecular consequence: missense variant.
Genome position (GRCh38, 1-based): chr6:142,774,683, G>C on the plus strand (C>G on the coding strand, the complement: HIVEP2 is on the minus strand). VCF-style: chr6-142774683-G-C. GRCh37 (hg19) VCF-style: chr6-143095820-G-C.
Other names: c.56C>G (NM_006734.3); short protein forms T19S.
Identifiers: ClinVar variation 2805650 (VCV002805650.5), dbSNP rs1775650077, ClinGen allele CA365916894.